The following is an entry in ClinVar:

ClinVar aggregate classification (germline): Uncertain significance (1 of 4 stars; one submission).

Conditions:
EGFR-related lung cancer (EGFR). Identifiers: MedGen CN130014.

Submission:

Labcorp Genetics (formerly Invitae), Labcorp
Classification: Uncertain significance for EGFR-related lung cancer. Last evaluated: 2020-12-03. Review status: criteria provided, single submitter. Criteria: Invitae Variant Classification Sherloc (09022015). Collection method: clinical testing. Allele origin: germline.
Comment: In summary, the available evidence is currently insufficient to determine the role of this variant in disease. Therefore, it has been classified as a Variant of Uncertain Significance. Algorithms developed to predict the effect of missense changes on protein structure and function (SIFT, PolyPhen-2, Align-GVGD) all suggest that this variant is likely to be tolerated, but these predictions have not been confirmed by published functional studies and their clinical significance is uncertain. This variant has not been reported in the literature in individuals with EGFR-related conditions. This variant is not present in population databases (ExAC no frequency). This sequence change replaces threonine with asparagine at codon 81 of the EGFR protein (p.Thr81Asn). The threonine residue is moderately conserved and there is a small physicochemical difference between threonine and asparagine.

NM_005228.5(EGFR):c.242C>A (p.Thr81Asn)

Gene: EGFR (epidermal growth factor receptor; plus strand). Cytogenetic location: 7p11.2.
Variant type: single nucleotide variant.
Coding change: c.242C>A on transcript NM_005228.5 (MANE Select); coding-DNA position 242, C replaced by A.
Protein change: p.Thr81Asn; replaces threonine 81 with asparagine.
Molecular consequence: missense variant. On other transcripts: intron variant (1).
Genome position (GRCh38, 1-based): chr7:55,143,306, C>A. VCF-style: chr7-55143306-C-A. GRCh37 (hg19) VCF-style: chr7-55210999-C-A.
Other names: c.242C>A, p.Thr81Asn (NM_001346897.2, NM_001346898.2, NM_001346899.2 and 3 more transcripts); c.83C>A, p.Thr28Asn (NM_001346900.2); c.89-12524C>A (NM_001346941.2); short protein forms T28N, T81N.
Identifiers: ClinVar variation 1367575 (VCV001367575.8), dbSNP rs2128927153, ClinGen allele CA367575622.
Genomic context (GRCh38, chr7:55,143,306, plus strand): 5'-ACCTTGAGTTCTTGAGTTCCTCAAAAGAGAAATCACGCATTTATGTTTTCTCTTCTTAGA[C>A]CATCCAGGAGGTGGCTGGTTATGTCCTCATTGCCCTCAACACAGTGGAGCGAATTCCTTT-3'
Protein context (NP_005219.2, residues 71-91): QRNYDLSFLK[Thr81Asn]IQEVAGYVLI